The following is an entry in ClinVar:

ClinVar aggregate classification (germline): Likely pathogenic. Review status: criteria provided, multiple submitters, no conflicts (2 of 4 stars). 2 submissions from 2 submitters: Likely pathogenic (2). Last evaluated 2023-10-27.

Conditions:
3-methylglutaconic aciduria type 5. Also called: CARDIOMYOPATHY, DILATED, WITH ATAXIA; MGA, TYPE V; 3 alpha methylglutaconic aciduria type V; MGA 5. Identifiers: Orphanet 66634, MedGen C1857776, MONDO:0012435, OMIM 610198.

Allele frequency attached by ClinVar (database versions not stated): TOPMed below 0.00001; gnomAD exomes 0.00001.

Submissions (2):

Labcorp Genetics (formerly Invitae), Labcorp
Classification: Likely pathogenic for 3-methylglutaconic aciduria type 5. Last evaluated: 2023-10-27. Review status: criteria provided, single submitter. Criteria: Invitae Variant Classification Sherloc (09022015). Collection method: clinical testing. Allele origin: germline.
Comment: This sequence change affects an acceptor splice site in intron 1 of the DNAJC19 gene. It is expected to disrupt RNA splicing. Variants that disrupt the donor or acceptor splice site typically lead to a loss of protein function (PMID: 16199547), and loss-of-function variants in DNAJC19 are known to be pathogenic (PMID: 16055927, 27928778). This variant is not present in population databases (gnomAD no frequency). This variant has not been reported in the literature in individuals affected with DNAJC19-related conditions. ClinVar contains an entry for this variant (Variation ID: 235279). Algorithms developed to predict the effect of sequence changes on RNA splicing suggest that this variant may disrupt the consensus splice site. In summary, the currently available evidence indicates that the variant is pathogenic, but additional data are needed to prove that conclusively. Therefore, this variant has been classified as Likely Pathogenic.

Center for Pediatric Genomic Medicine, Children's Mercy Hospital and Clinics
Classification: Likely pathogenic. Last evaluated: 2016-01-21. Review status: criteria provided, single submitter. Criteria: ACMG Guidelines, 2015. Collection method: clinical testing. Allele origin: germline.

Literature cited by the submitters: PubMed 16199547 (cited by Labcorp Genetics (formerly Invitae), Labcorp); PubMed 16055927 (cited by Labcorp Genetics (formerly Invitae), Labcorp); PubMed 27928778 (cited by Labcorp Genetics (formerly Invitae), Labcorp).

NM_145261.4(DNAJC19):c.4-1G>A

Gene: DNAJC19 (DnaJ heat shock protein family (Hsp40) member C19; minus strand). Cytogenetic location: 3q26.33.
Variant type: single nucleotide variant.
Coding change: c.4-1G>A on transcript NM_145261.4 (MANE Select); the canonical splice acceptor site of the intron before coding-DNA position 4, G replaced by A.
Molecular consequence: splice acceptor variant.
Genome position (GRCh38, 1-based): chr3:180,988,230, C>T on the plus strand (G>A on the coding strand, the complement: DNAJC19 is on the minus strand). VCF-style: chr3-180988230-C-T. GRCh37 (hg19) VCF-style: chr3-180706018-C-T.
Other names: c.-72-1G>A (NM_001190233.2).
Identifiers: ClinVar variation 235279 (VCV000235279.7), dbSNP rs878852999, ClinGen allele CA10581263.